The following is an entry in ClinVar:

ClinVar aggregate classification (germline): Uncertain significance. Review status: criteria provided, multiple submitters, no conflicts (2 of 4 stars). 3 submissions from 3 submitters: Uncertain significance (3). Last evaluated 2025-10-05.

Conditions:
Familial thoracic aortic aneurysm and aortic dissection (TAAD). Also called: Thoracic aortic aneurysms and dissections. Identifiers: Orphanet 91387, MedGen C4707243, MONDO:0019625.
Ehlers-Danlos syndrome, type 4 (EDSVASC). Also called: Ehlers-Danlos syndrome vascular type; Ehlers Danlos syndrome, ecchymotic type; Ehlers Danlos syndrome, arterial type; Ehlers Danlos syndrome, Sack-Barabas type; Ehlers-Danlos Syndrome Type IV. Identifiers: Orphanet 286, MedGen C0268338, MONDO:0017314, OMIM 130050.

Allele frequency attached by ClinVar (database versions not stated): gnomAD exomes below 0.00001; TOPMed below 0.00001; gnomAD 0.00001 and below 0.00001.
gnomAD v4.1: 5 of 1,612,400 alleles (0.00031%); highest among the groups gnomAD compares: South Asian, 0.0022%; no homozygotes.

Submissions (3):

Color Diagnostics, LLC DBA Color Health
Classification: Uncertain significance for Familial thoracic aortic aneurysm and aortic dissection. Last evaluated: 2025-10-05. Review status: criteria provided, single submitter. Criteria: ACMG Guidelines, 2015. Collection method: clinical testing. Allele origin: germline.
Comment: This missense variant replaces proline with serine at codon 1087 of the COL3A1 protein. Computational prediction is inconclusive regarding the impact of this variant on protein structure and function. To our knowledge, functional studies have not been reported for this variant. This variant has not been reported in individuals affected with COL3A1-related disorders in the literature. This variant has not been identified in the general population by the Genome Aggregation Database (gnomAD). The available evidence is insufficient to determine the role of this variant in disease conclusively. Therefore, this variant is classified as a Variant of Uncertain Significance.

All of Us Research Program, National Institutes of Health
Classification: Uncertain significance for Ehlers-Danlos syndrome, type 4. Last evaluated: 2024-09-23. Review status: criteria provided, single submitter. Criteria: ACMG Guidelines, 2015. Collection method: clinical testing. Allele origin: germline. Inheritance: Autosomal dominant inheritance. Observed: 4 variant alleles, 4 heterozygotes.
Comment: This missense variant replaces proline with serine at codon 1087 of the COL3A1 protein. Computational prediction is inconclusive regarding the impact of this variant on protein structure and function (internally defined REVEL score threshold 0.5 < inconclusive < 0.7, PMID: 27666373). To our knowledge, functional studies have not been reported for this variant. This variant has not been reported in individuals affected with COL3A1-related disorders in the literature. This variant has not been identified in the general population by the Genome Aggregation Database (gnomAD). The available evidence is insufficient to determine the role of this variant in disease conclusively. Therefore, this variant is classified as a Variant of Uncertain Significance.

This study involves interpretation of variants in research participants for the purpose of population health screening. Participant phenotype was not available at the time of variant classification. Additional details can be found in publication PMID: 35346344, PMCID: PMC8962531

Labcorp Genetics (formerly Invitae), Labcorp
Classification: Uncertain significance for Ehlers-Danlos syndrome, type 4. Last evaluated: 2023-11-24. Review status: criteria provided, single submitter. Criteria: Invitae Variant Classification Sherloc (09022015). Collection method: clinical testing. Allele origin: germline.
Comment: This sequence change replaces proline, which is neutral and non-polar, with serine, which is neutral and polar, at codon 1087 of the COL3A1 protein (p.Pro1087Ser). This variant is not present in population databases (gnomAD no frequency). This missense change has been observed in individual(s) with clinical features of COL3A1-related conditions (Invitae). ClinVar contains an entry for this variant (Variation ID: 1021764). Advanced modeling of protein sequence and biophysical properties (such as structural, functional, and spatial information, amino acid conservation, physicochemical variation, residue mobility, and thermodynamic stability) has been performed at Invitae for this missense variant, however the output from this modeling did not meet the statistical confidence thresholds required to predict the impact of this variant on COL3A1 protein function. In summary, the available evidence is currently insufficient to determine the role of this variant in disease. Therefore, it has been classified as a Variant of Uncertain Significance.

NM_000090.4(COL3A1):c.3259C>T (p.Pro1087Ser)

Gene: COL3A1 (collagen type III alpha 1 chain; plus strand). Cytogenetic location: 2q32.2.
Variant type: single nucleotide variant.
Coding change: c.3259C>T on transcript NM_000090.4 (MANE Select); coding-DNA position 3259, C replaced by T.
Protein change: p.Pro1087Ser; replaces proline 1087 with serine.
Molecular consequence: missense variant.
Genome position (GRCh38, 1-based): chr2:189,007,503, C>T. VCF-style: chr2-189007503-C-T. GRCh37 (hg19) VCF-style: chr2-189872229-C-T.
Other names: short protein forms P1087S.
Identifiers: ClinVar variation 1021764 (VCV001021764.11), dbSNP rs1688619897, ClinGen allele CA349845539.